The following is an entry in ClinVar:

NM_007194.4(CHEK2):c.509T>C (p.Val170Ala)

Gene: CHEK2 (checkpoint kinase 2; minus strand). Cytogenetic location: 22q12.1.
Variant type: single nucleotide variant.
Coding change: c.509T>C on transcript NM_007194.4 (MANE Select); coding-DNA position 509, T replaced by C.
Protein change: p.Val170Ala; replaces valine 170 with alanine.
Molecular consequence: missense variant. On other transcripts: 5 prime UTR variant (2), intron variant (1).
Genome position (GRCh38, 1-based): chr22:28,725,060, A>G on the plus strand (T>C on the coding strand, the complement: CHEK2 is on the minus strand). VCF-style: chr22-28725060-A-G. GRCh37 (hg19) VCF-style: chr22-29121048-A-G.
Other names: c.638T>C, p.Val213Ala (NM_001005735.3, NM_001438294.1); c.-269T>C (NM_001257387.3); c.-155T>C (NM_001437942.1); c.602T>C, p.Val201Ala (NM_001438293.1, NM_001438295.1); c.509T>C, p.Val170Ala (NM_145862.3); c.445-137T>C (NM_001349956.3); short protein forms V213A, V170A, V201A.
Identifiers: ClinVar variation 2142623 (VCV002142623.4), dbSNP rs2146059599, ClinGen allele CA411107401.

ClinVar aggregate classification (germline): Uncertain significance. Review status: criteria provided, multiple submitters, no conflicts (2 of 4 stars). 2 submissions from 2 submitters: Uncertain significance (2). Last evaluated 2024-04-10.

Conditions:
Hereditary cancer-predisposing syndrome. Also called: Neoplastic Syndromes, Hereditary; Tumor predisposition; Hereditary neoplastic syndrome; Hereditary Cancer Syndrome. Identifiers: Orphanet 140162, MedGen C0027672, MeSH D009386, MONDO:0015356.
Familial cancer of breast. Also called: Hereditary breast cancer; hereditary breast carcinoma; BREAST CANCER, FAMILIAL. Identifiers: Orphanet 227535, MedGen C0346153, MONDO:0016419, OMIM 114480. Disease mechanism: loss of function.

Allele frequency attached by ClinVar (database versions not stated): gnomAD exomes below 0.00001.
gnomAD v4.1: 2 of 1,614,142 alleles (0.00012%); highest among the groups gnomAD compares: South Asian, 0.0011%; no homozygotes.

Submissions (2):

Labcorp Genetics (formerly Invitae), Labcorp
Classification: Uncertain significance for Familial cancer of breast. Last evaluated: 2024-04-10. Review status: criteria provided, single submitter. Criteria: Invitae Variant Classification Sherloc (09022015). Collection method: clinical testing. Allele origin: germline.
Comment: This sequence change replaces valine, which is neutral and non-polar, with alanine, which is neutral and non-polar, at codon 170 of the CHEK2 protein (p.Val170Ala). This variant is not present in population databases (gnomAD no frequency). This variant has not been reported in the literature in individuals affected with CHEK2-related conditions. ClinVar contains an entry for this variant (Variation ID: 2142623). An algorithm developed to predict the effect of missense changes on protein structure and function (PolyPhen-2) suggests that this variant is likely to be disruptive. In summary, the available evidence is currently insufficient to determine the role of this variant in disease. Therefore, it has been classified as a Variant of Uncertain Significance.

Color Diagnostics, LLC DBA Color Health
Classification: Uncertain significance for Hereditary cancer-predisposing syndrome. Last evaluated: 2023-03-15. Review status: criteria provided, single submitter. Criteria: ACMG Guidelines, 2015. Collection method: clinical testing. Allele origin: germline.
Comment: This missense variant replaces valine with alanine at codon 170 of the CHEK2 protein. Computational prediction suggests that this variant may have deleterious impact on protein structure and function (internally defined REVEL score threshold >= 0.7, PMID: 27666373). To our knowledge, functional studies have not been reported for this variant. This variant has not been reported in individuals affected with CHEK2-related disorders in the literature. This variant has not been identified in the general population by the Genome Aggregation Database (gnomAD). The available evidence is insufficient to determine the role of this variant in disease conclusively. Therefore, this variant is classified as a Variant of Uncertain Significance.